The following is an entry in ClinVar:

NM_000330.4(RS1):c.219del (p.Glu75fs)

Genes: CDKL5 (cyclin dependent kinase like 5; plus strand), RS1 (retinoschisin 1; minus strand). Cytogenetic location: Xp22.13.
Variant type: Deletion.
Coding change: c.219del on transcript NM_000330.4 (MANE Select); coding-DNA position 219, one base deleted (A; older notation c.219delA).
Protein change: p.Glu75fs; shifts the reading frame from glutamic acid 75.
Molecular consequence: frameshift variant. On other transcripts: intron variant (2).
Genome position (GRCh38, 1-based): chrX:18,647,298, T deleted on the plus strand (A on the coding strand, the reverse complement: RS1 is on the minus strand). VCF-style (leftmost placement, unchanged base first): chrX-18647297-CT-C. GRCh37 (hg19) VCF-style: chrX-18665417-CT-C.
Other names: c.2797+1208del (NM_003159.3, NM_001037343.2); short protein forms E75fs.
Identifiers: ClinVar variation 98918 (VCV000098918.7), dbSNP rs62645900, ClinGen allele CA226630.

ClinVar aggregate classification (germline): Pathogenic. Review status: criteria provided, single submitter (1 of 4 stars). 2 submissions from 2 submitters: Pathogenic (1). 1 of the submissions does not count toward it. Last evaluated 2023-10-03.

Submissions (2):

Labcorp Genetics (formerly Invitae), Labcorp
Classification: Pathogenic. Last evaluated: 2023-10-03. Review status: criteria provided, single submitter. Criteria: Invitae Variant Classification Sherloc (09022015). Collection method: clinical testing. Allele origin: germline.
Comment: This sequence change creates a premature translational stop signal (p.Glu75Argfs*51) in the RS1 gene. It is expected to result in an absent or disrupted protein product. Loss-of-function variants in RS1 are known to be pathogenic (PMID: 9618178, 17172462). This variant is not present in population databases (gnomAD no frequency). This premature translational stop signal has been observed in individual(s) with juvenile retinoschisis (PMID: 10533068). ClinVar contains an entry for this variant (Variation ID: 98918). For these reasons, this variant has been classified as Pathogenic.

Retina International
No classification provided. Review status: no classification provided. Collection method: not provided. Allele origin: unknown. Not counted in ClinVar's aggregate classification.

Literature cited by the submitters: PubMed 9618178 (cited by Labcorp Genetics (formerly Invitae), Labcorp); PubMed 17172462 (cited by Labcorp Genetics (formerly Invitae), Labcorp); PubMed 10533068 (cited by Labcorp Genetics (formerly Invitae), Labcorp).